The following is an entry in ClinVar:

ClinVar aggregate classification (germline): Conflicting classifications of pathogenicity. Review status: criteria provided, conflicting classifications (1 of 4 stars). 2 submissions from 2 submitters: Likely pathogenic (1); Uncertain significance (1). Last evaluated 2025-07-25.

Conditions:
Carnitine palmitoyltransferase II deficiency. Also called: Carnitine Palmitoyltransferase 2 Deficiency. Identifiers: Orphanet 157, MedGen C0342790, MONDO:0015515.

Submissions (2):

Women's Health and Genetics/Laboratory Corporation of America, LabCorp
Classification: Uncertain significance. Last evaluated: 2025-07-25. Review status: criteria provided, single submitter. Criteria: LabCorp Variant Classification Summary - May 2015. Collection method: clinical testing. Allele origin: germline.
Comment: Variant summary: CPT2 c.887G>C (p.Arg296Pro) results in a non-conservative amino acid change located in the choline/carnitine acyltransferase domain (IPR039551) of the encoded protein sequence. Algorithms developed to predict the effect of missense changes on protein structure and function all suggest that this variant is likely to be disruptive. The variant was absent in 251324 control chromosomes. c.887G>C has been observed in individual(s) affected with Carnitine Palmitoyltransferase II Deficiency (internal data). Other missense substitution at this codon (p.Arg296Gln) has been reported in individuals affected with CPT2 deficiency. To our knowledge, no experimental evidence demonstrating an impact on protein function has been reported. ClinVar contains an entry for this variant (Variation ID: 570807). Based on the evidence outlined above, the variant was classified as VUS-possibly pathogenic.

Labcorp Genetics (formerly Invitae), Labcorp
Classification: Likely pathogenic for Carnitine palmitoyltransferase II deficiency. Last evaluated: 2018-04-05. Review status: criteria provided, single submitter. Criteria: Invitae Variant Classification Sherloc (09022015). Collection method: clinical testing. Allele origin: germline.
Comment: This sequence change replaces arginine with proline at codon 296 of the CPT2 protein (p.Arg296Pro). The arginine residue is highly conserved and there is a moderate physicochemical difference between arginine and proline. This variant is not present in population databases (ExAC no frequency). This finding is consistent with autosomal recessive inheritance, and suggests that this variant contributes to disease. In summary, the currently available evidence indicates that the variant is pathogenic, but additional data are needed to prove that conclusively. Therefore, this variant has been classified as Likely Pathogenic. Algorithms developed to predict the effect of missense changes on protein structure and function (SIFT, PolyPhen-2, Align-GVGD) all suggest that this variant is likely to be disruptive, but these predictions have not been confirmed by published functional studies and their clinical significance is uncertain. Other missense substitutions at this codon (p.Arg296Gln and p.Arg296Leu) have been reported in individuals affected with CPT2 deficiency (PMID: 14615409, 21913903).

Literature cited by the submitters: PubMed 14615409 (cited by Labcorp Genetics (formerly Invitae), Labcorp); PubMed 21913903 (cited by Labcorp Genetics (formerly Invitae), Labcorp).

NM_000098.3(CPT2):c.887G>C (p.Arg296Pro)

Gene: CPT2 (carnitine palmitoyltransferase 2; plus strand). Cytogenetic location: 1p32.3.
Variant type: single nucleotide variant.
Coding change: c.887G>C on transcript NM_000098.3 (MANE Select); coding-DNA position 887, G replaced by C.
Protein change: p.Arg296Pro; replaces arginine 296 with proline.
Molecular consequence: missense variant.
Genome position (GRCh38, 1-based): chr1:53,210,561, G>C. VCF-style: chr1-53210561-G-C. GRCh37 (hg19) VCF-style: chr1-53676233-G-C.
Other names: c.887G>C, p.Arg296Pro (NM_001330589.2); short protein forms R296P.
Identifiers: ClinVar variation 570807 (VCV000570807.10), dbSNP rs764849762, ClinGen allele CA340394048.
Genomic context (GRCh38, chr1:53,210,561, plus strand): 5'-TTCTCTCAGACAGCAGCCCCGCCCCCGAGTTTCCCCTGGCATACCTGACCAGTGAGAACC[G>C]AGACATCTGGGCAGAGCTCAGGCAGAAGCTGATGAGTAGTGGCAATGAGGAGAGCCTGAG-3'
Protein context (NP_000089.1, residues 286-306): FPLAYLTSEN[Arg296Pro]DIWAELRQKL